The following is an entry in ClinVar:

NM_000180.4(GUCY2D):c.1255A>C (p.Met419Leu)

Gene: GUCY2D (guanylate cyclase 2D, retinal; plus strand). Cytogenetic location: 17p13.1.
Variant type: single nucleotide variant.
Coding change: c.1255A>C on transcript NM_000180.4 (MANE Select); coding-DNA position 1255, A replaced by C.
Protein change: p.Met419Leu; replaces methionine 419 with leucine.
Molecular consequence: missense variant.
Genome position (GRCh38, 1-based): chr17:8,006,591, A>C. VCF-style: chr17-8006591-A-C. GRCh37 (hg19) VCF-style: chr17-7909909-A-C.
Other names: short protein forms M419L.
Identifiers: ClinVar variation 1398194 (VCV001398194.6), dbSNP rs1388468307, ClinGen allele CA397948110.

ClinVar aggregate classification (germline): Uncertain significance (1 of 4 stars; one submission).

Conditions:
Cone-rod dystrophy 6 (CORD6). Also called: RETINAL CONE DYSTROPHY 2; Cone dystrophy progressive. Identifiers: Orphanet 1872, MedGen C1866293, MONDO:0011143, OMIM 601777.
Leber congenital amaurosis 1 (LCA1). Also called: Congenital absence of the rods and cones; Leber's congenital tapetoretinal degeneration; Leber's congenital tapetoretinal dysplasia; AMAUROSIS CONGENITA OF LEBER I; RETINAL BLINDNESS, CONGENITAL. Identifiers: Orphanet 65, MedGen C2931258, MONDO:0008764, OMIM 204000.

Allele frequency attached by ClinVar (database versions not stated): gnomAD exomes below 0.00001; gnomAD 0.00001; TOPMed 0.00002.
gnomAD v4.1: 4 of 1,613,496 alleles (0.00025%); highest among the groups gnomAD compares: African/African-American, 0.0053%; no homozygotes.

Submission:

Labcorp Genetics (formerly Invitae), Labcorp
Classification: Uncertain significance for Leber congenital amaurosis 1; Cone-rod dystrophy 6. Last evaluated: 2022-01-14. Review status: criteria provided, single submitter. Criteria: Invitae Variant Classification Sherloc (09022015). Collection method: clinical testing. Allele origin: germline.
Comment: In summary, the available evidence is currently insufficient to determine the role of this variant in disease. Therefore, it has been classified as a Variant of Uncertain Significance. Algorithms developed to predict the effect of missense changes on protein structure and function output the following: SIFT: "Tolerated"; PolyPhen-2: "Benign"; Align-GVGD: "Class C0". The leucine amino acid residue is found in multiple mammalian species, which suggests that this missense change does not adversely affect protein function. This variant has not been reported in the literature in individuals affected with GUCY2D-related conditions. This variant is present in population databases (no rsID available, gnomAD 0.007%). This sequence change replaces methionine, which is neutral and non-polar, with leucine, which is neutral and non-polar, at codon 419 of the GUCY2D protein (p.Met419Leu).